The following is an entry in ClinVar:

NM_005006.7(NDUFS1):c.1251A>G (p.Arg417=)

Gene: NDUFS1 (NADH:ubiquinone oxidoreductase core subunit S1; minus strand). Cytogenetic location: 2q33.3.
Variant type: single nucleotide variant.
Coding change: c.1251A>G on transcript NM_005006.7 (MANE Select); coding-DNA position 1251, A replaced by G.
Protein change: p.Arg417=; no amino-acid change (arginine 417 retained).
Molecular consequence: synonymous variant.
Genome position (GRCh38, 1-based): chr2:206,141,952, T>C on the plus strand (A>G on the coding strand, the complement: NDUFS1 is on the minus strand). VCF-style: chr2-206141952-T-C. GRCh37 (hg19) VCF-style: chr2-207006676-T-C.
Other names: c.1143A>G, p.Arg381= (NM_001199981.2); c.918A>G, p.Arg306= (NM_001199982.2); c.1080A>G, p.Arg360= (NM_001199983.2); c.1293A>G, p.Arg431= (NM_001199984.2).
Identifiers: ClinVar variation 129695 (VCV000129695.27), dbSNP rs1801318, ClinGen allele CA153859.

ClinVar aggregate classification (germline): Benign. Review status: criteria provided, multiple submitters, no conflicts (2 of 4 stars). 10 submissions from 9 submitters: Benign (8). 2 of the submissions do not count toward it. Last evaluated 2026-02-03.

Conditions:
Leigh syndrome (NULS). Also called: Leigh Disease; Subacute necrotizing encephalopathy; Necrotizing encephalopathy infantile subacute of Leigh; Leigh's necrotizing encephalopathy; Leigh's disease; Leigh Syndrome (mtDNA deletion). Identifiers: Orphanet 506, MedGen C2931891, MONDO:0009723, OMIM 256000.
Mitochondrial complex I deficiency, nuclear type 1. Also called: NADH-COENZYME Q REDUCTASE DEFICIENCY; MITOCHONDRIAL NADH DEHYDROGENASE COMPONENT OF COMPLEX I, DEFICIENCY OF. Identifiers: MedGen C6022305, MONDO:0100224, OMIM 252010.
Mitochondrial complex I deficiency, nuclear type 5. Also called: Mitochondrial complex 1 deficiency, nuclear type 5. Identifiers: MedGen C4748754, MONDO:0032610, OMIM 618226.

Allele frequency attached by ClinVar (database versions not stated): gnomAD exomes 0.30661 and 0.30682; 1000 Genomes Project 0.30990; ExAC 0.31052; 1000 Genomes Project 30x 0.31590; gnomAD 0.34307 and 0.34874; TOPMed 0.34798; ESP Exome Variant Server 0.36053.
gnomAD v4.1: 498,727 of 1,607,042 alleles (31%); highest among the groups gnomAD compares: African/African-American, 45%; 79,565 homozygotes.

Submissions (10):

Labcorp Genetics (formerly Invitae), Labcorp
Classification: Benign. Last evaluated: 2026-02-03. Review status: criteria provided, single submitter. Criteria: Invitae Variant Classification Sherloc (09022015). Collection method: clinical testing. Allele origin: germline.

Blueprint Genetics
Classification: Benign. Last evaluated: 2024-11-26. Review status: criteria provided, single submitter. Criteria: ACMG Guidelines, 2015. Collection method: clinical testing. Allele origin: germline.

Genome-Nilou Lab
Classification: Benign for Mitochondrial complex I deficiency, nuclear type 5. Last evaluated: 2021-09-05. Review status: criteria provided, single submitter. Criteria: ACMG Guidelines, 2015. Collection method: clinical testing. Allele origin: germline. Affected: no.

Illumina Laboratory Services, Illumina
Classification: Benign for Mitochondrial complex I deficiency, nuclear type 1. Last evaluated: 2018-01-13. Review status: criteria provided, single submitter. Criteria: ICSL Variant Classification Criteria 13 December 2019. Collection method: clinical testing. Allele origin: germline.
Comment: This variant was observed in the ICSL laboratory as part of a predisposition screen in an ostensibly healthy population. It had not been previously curated by ICSL or reported in the Human Gene Mutation Database (HGMD: prior to June 1st, 2018), and was therefore a candidate for classification through an automated scoring system. Utilizing variant allele frequency, disease prevalence and penetrance estimates, and inheritance mode, an automated score was calculated to assess if this variant is too frequent to cause the disease. Based on the score and internal cut-off values, a variant classified as benign is not then subjected to further curation. The score for this variant resulted in a classification of benign for this disease.

Illumina Laboratory Services, Illumina
Classification: Benign for Leigh syndrome. Last evaluated: 2018-01-13. Review status: criteria provided, single submitter. Criteria: ICSL Variant Classification Criteria 13 December 2019. Collection method: clinical testing. Allele origin: germline.
Comment: the same text as in the submission from Illumina Laboratory Services, Illumina above.

GeneDx
Classification: Benign. Last evaluated: 2015-03-03. Review status: criteria provided, single submitter. Criteria: GeneDx Variant Classification Process June 2021. Collection method: clinical testing. Allele origin: germline. Affected: yes.

Breakthrough Genomics
Classification: Benign. Review status: criteria provided, single submitter. Criteria: ACMG Guidelines, 2015. Collection method: not provided. Allele origin: germline. Inheritance: Autosomal recessive inheritance. Affected: yes.

PreventionGenetics, part of Exact Sciences
Classification: Benign. Review status: criteria provided, single submitter. Criteria: ACMG Guidelines, 2015. Collection method: clinical testing. Allele origin: germline.

Mayo Clinic Laboratories, Mayo Clinic
Classification: Benign. Last evaluated: 2016-02-22. Review status: no assertion criteria provided. Collection method: clinical testing. Allele origin: unknown. Not counted in ClinVar's aggregate classification.

Genetic Services Laboratory, University of Chicago
Classification: Likely benign for AllHighlyPenetrant. Review status: no assertion criteria provided. Collection method: clinical testing. Allele origin: germline. Inheritance: Autosomal recessive inheritance. Not counted in ClinVar's aggregate classification.
Comment: Likely benign based on allele frequency in 1000 Genomes Project or ESP global frequency and its presence in a patient with a rare or unrelated disease phenotype. NOT Sanger confirmed.